The following is an entry in ClinVar:

ClinVar aggregate classification (germline): Uncertain significance (1 of 4 stars; one submission).

gnomAD v4.1: 12 of 1,614,238 alleles (0.00074%); highest among the groups gnomAD compares: Non-Finnish European, 0.00085%; no homozygotes.

Submission:

CeGaT Center for Human Genetics Tuebingen
Classification: Uncertain significance. Last evaluated: 2026-02-01. Review status: criteria provided, single submitter. Criteria: CeGaT Center For Human Genetics Tuebingen Variant Classification Criteria Version 2. Collection method: clinical testing. Allele origin: germline. Affected: yes. Observed: 1 variant allele.
Comment: ZFHX3: PM2

NM_006885.4(ZFHX3):c.3025G>A (p.Val1009Met)

Gene: ZFHX3 (zinc finger homeobox 3; minus strand). Cytogenetic location: 16q22.3.
Variant type: single nucleotide variant.
Coding change: c.3025G>A on transcript NM_006885.4 (MANE Select); coding-DNA position 3025, G replaced by A.
Protein change: p.Val1009Met; replaces valine 1009 with methionine.
Molecular consequence: missense variant.
Genome position (GRCh38, 1-based): chr16:72,950,660, C>T on the plus strand (G>A on the coding strand, the complement: ZFHX3 is on the minus strand). VCF-style: chr16-72950660-C-T. GRCh37 (hg19) VCF-style: chr16-72984559-C-T.
Other names: c.283G>A, p.Val95Met (NM_001164766.2); c.3025G>A, p.Val1009Met (NM_001386735.1); short protein forms V1009M, V95M.
Identifiers: ClinVar variation 4821952 (VCV004821952.4).